The following is an entry in ClinVar:

NM_024426.6(WT1):c.348G>A (p.Pro116=)

Genes: WT1 (WT1 transcription factor; minus strand), LOC107982234 (WT1/WT1-AS bi-directional promoter region; plus strand). Cytogenetic location: 11p13.
Variant type: single nucleotide variant.
Coding change: c.348G>A on transcript NM_024426.6 (MANE Select); coding-DNA position 348, G replaced by A.
Protein change: p.Pro116=; no amino-acid change (proline 116 retained).
Molecular consequence: synonymous variant. On other transcripts: non-coding transcript variant (2).
Genome position (GRCh38, 1-based): chr11:32,435,013, C>T on the plus strand (G>A on the coding strand, the complement: WT1 is on the minus strand). VCF-style: chr11-32435013-C-T. GRCh37 (hg19) VCF-style: chr11-32456559-C-T.
Other names: c.348G>A, p.Pro116= (NM_000378.6, NM_001407044.1, NM_001407045.1 and 6 more transcripts); c.129G>A, p.Pro43= (NM_001429031.1, NM_001429032.1, NM_001429033.1 and 1 more transcripts); c.333G>A (NM_024426.4).
Identifiers: ClinVar variation 4085748 (VCV004085748.9).

ClinVar aggregate classification (germline): Conflicting classifications of pathogenicity. Review status: criteria provided, conflicting classifications (1 of 4 stars). 2 submissions from 2 submitters: Uncertain significance (1); Likely benign (1). Last evaluated 2025-11-26.

Conditions:
WT1-related disorder. Also called: WT1-related disorders. Identifiers: MedGen CN377814.

Submissions (2):

PreventionGenetics, part of Exact Sciences
Classification: Uncertain significance for WT1-related condition. Last evaluated: 2025-11-26. Review status: criteria provided, single submitter. Criteria: ACMG Guidelines, 2015. Collection method: clinical testing. Allele origin: germline.
Comment: The WT1 c.333G>A variant is not predicted to result in an amino acid change (p.=). This variant is predicted to create a cryptic splice acceptor site based on a prediction algorithm (Alamut Visual Plus v1.6.1), but is not predicted to alter splicing based on another prediction algorithm (Jaganathan et al. 2019. PubMed ID: 30661751). However, the use of computer prediction programs is not equivalent to functional evidence. To our knowledge, this variant has not been reported in the literature or in a large population database (gnomAD), indicating this variant is rare. At this time, the clinical significance of this variant is uncertain due to the absence of conclusive functional and genetic evidence.

CeGaT Center for Human Genetics Tuebingen
Classification: Likely benign. Last evaluated: 2025-08-01. Review status: criteria provided, single submitter. Criteria: CeGaT Center For Human Genetics Tuebingen Variant Classification Criteria Version 2. Collection method: clinical testing. Allele origin: germline. Affected: yes. Observed: 1 variant allele.
Comment: WT1: PM2:Supporting, BP4, BP7